The following is an entry in ClinVar:

NM_018055.5(NODAL):c.408dup (p.Phe137fs)

Gene: NODAL (nodal growth differentiation factor; minus strand). Cytogenetic location: 10q22.1.
Variant type: Duplication.
Coding change: c.408dup on transcript NM_018055.5 (MANE Select); coding-DNA position 408, one base duplicated (A; older notation c.408dupA).
Protein change: p.Phe137fs; shifts the reading frame from phenylalanine 137.
Molecular consequence: frameshift variant.
Genome position (GRCh38, 1-based): chr10:70,435,769, T duplicated on the plus strand (A on the coding strand, the reverse complement: NODAL is on the minus strand). VCF-style (leftmost placement, unchanged base first): chr10-70435768-A-AT. GRCh37 (hg19) VCF-style: chr10-72195524-A-AT.
Other names: c.9dup, p.Phe4fs (NM_001329906.2); short protein forms F137fs, F4fs.
Identifiers: ClinVar variation 3366958 (VCV003366958.1).
Genomic context (GRCh38, chr10:70,435,768, plus strand): 5'-TGGTCACCTCCAAAACCATGCTGCCCAAGGAAAAGGTGACCTGGGACAAAGTGACAGTGA[A>AT]TAGGTCCATCTGAAACCGCTCTAAGCAGCTGTCTGAAGCCTGCTCTGTGTCGGGCTTTGG-3'

ClinVar aggregate classification (germline): Likely pathogenic (1 of 4 stars; one submission).

Conditions:
Heterotaxy, visceral, 5, autosomal (HTX5). Also called: Heterotaxy, visceral, 5. Identifiers: Orphanet 450, MedGen C3495537, MONDO:0700112, OMIM 270100.

Submission:

Institute of Immunology and Genetics Kaiserslautern
Classification: Likely pathogenic for Heterotaxy, visceral, 5, autosomal. Last evaluated: 2024-03-21. Review status: criteria provided, single submitter. Criteria: ACMG Guidelines, 2015. Collection method: clinical testing. Allele origin: paternal. Affected: yes.
Comment: ACMG Criteria: PVS1, PM2; Variant was found in a heterozygous state